The following is an entry in ClinVar:

ClinVar aggregate classification (germline): Uncertain significance. Review status: criteria provided, multiple submitters, no conflicts (2 of 4 stars). 2 submissions from 2 submitters: Uncertain significance (2). Last evaluated 2025-09-15.

Conditions:
Hereditary cancer-predisposing syndrome. Also called: Hereditary neoplastic syndrome; Tumor predisposition; Neoplastic Syndromes, Hereditary; Hereditary Cancer Syndrome. Identifiers: Orphanet 140162, MedGen C0027672, MeSH D009386, MONDO:0015356.
Cardiovascular phenotype. Identifiers: MedGen CN230736.
Neurofibromatosis, type 1 (NF1). Also called: Peripheral type neurofibromatosis; VON RECKLINGHAUSEN DISEASE; NEUROFIBROMATOSIS, TYPE I, SOMATIC; Neurofibromatosis, type I. Identifiers: Orphanet 636, MedGen C0027831, MONDO:0018975, OMIM 162200. Disease mechanism: loss of function.

Allele frequency attached by ClinVar (database versions not stated): gnomAD exomes below 0.00001.
gnomAD v4.1: 2 of 1,613,772 alleles (0.00012%); highest among the groups gnomAD compares: South Asian, 0.0022%; no homozygotes.

Submissions (2):

Labcorp Genetics (formerly Invitae), Labcorp
Classification: Uncertain significance for Neurofibromatosis, type 1. Last evaluated: 2025-09-15. Review status: criteria provided, single submitter. Criteria: Invitae Variant Classification Sherloc (09022015). Collection method: clinical testing. Allele origin: germline.
Comment: This sequence change replaces isoleucine, which is neutral and non-polar, with methionine, which is neutral and non-polar, at codon 2527 of the NF1 protein (p.Ile2527Met). This variant is not present in population databases (gnomAD no frequency). This variant has not been reported in the literature in individuals affected with NF1-related conditions. ClinVar contains an entry for this variant (Variation ID: 956506). Invitae Evidence Modeling of protein sequence and biophysical properties (such as structural, functional, and spatial information, amino acid conservation, physicochemical variation, residue mobility, and thermodynamic stability) indicates that this missense variant is not expected to disrupt NF1 protein function with a negative predictive value of 95%. In summary, the available evidence is currently insufficient to determine the role of this variant in disease. Therefore, it has been classified as a Variant of Uncertain Significance.

Ambry Genetics
Classification: Uncertain significance for Cardiovascular phenotype; Hereditary cancer-predisposing syndrome. Last evaluated: 2022-04-19. Review status: criteria provided, single submitter. Criteria: Ambry Variant Classification Scheme 2023. Collection method: clinical testing. Allele origin: germline.
Comment: The p.I2527M variant (also known as c.7581A>G), located in coding exon 51 of the NF1 gene, results from an A to G substitution at nucleotide position 7581. The isoleucine at codon 2527 is replaced by methionine, an amino acid with highly similar properties. This amino acid position is conserved. In addition, this alteration is predicted to be tolerated by in silico analysis. Since supporting evidence is limited at this time, the clinical significance of this alteration remains unclear.

NM_001042492.3(NF1):c.7644A>G (p.Ile2548Met)

Gene: NF1 (neurofibromin 1; plus strand). Cytogenetic location: 17q11.2.
Variant type: single nucleotide variant.
Coding change: c.7644A>G on transcript NM_001042492.3 (MANE Select); coding-DNA position 7644, A replaced by G.
Protein change: p.Ile2548Met; replaces isoleucine 2548 with methionine.
Molecular consequence: missense variant.
Genome position (GRCh38, 1-based): chr17:31,356,488, A>G. VCF-style: chr17-31356488-A-G. GRCh37 (hg19) VCF-style: chr17-29683506-A-G.
Other names: c.7581A>G, p.Ile2527Met (NM_000267.4); short protein forms I2527M, I2548M.
Identifiers: ClinVar variation 956506 (VCV000956506.10), dbSNP rs2070273405, ClinGen allele CA399018035.
Genomic context (GRCh38, chr17:31,356,488, plus strand): 5'-TGAACTTGCATATTCTTAACTTTTGTTTATAGGAACAAGGAAAAGTTTTGATCACTTGAT[A>G]TCAGACACAAAGGCTCCTAAAAGGCAAGAAATGGAATCAGGGATCACAACACCCCCCAAA-3'
Protein context (NP_001035957.1, residues 2538-2558): LGTRKSFDHL[Ile2548Met]SDTKAPKRQE